The following is an entry in ClinVar:

ClinVar aggregate classification (germline): Likely pathogenic. Review status: criteria provided, multiple submitters, no conflicts (2 of 4 stars). 2 submissions from 2 submitters: Likely pathogenic (2). Last evaluated 2025-09-15.

Conditions:
Ellis-van Creveld syndrome (EVC). Also called: MESOECTODERMAL DYSPLASIA; Chondroectodermal dysplasia. Identifiers: Orphanet 289, MedGen C0013903, MONDO:0009162, OMIM 225500.
Curry-Hall syndrome (WAD). Also called: WEYERS ACRODENTAL DYSOSTOSIS. Identifiers: Orphanet 952, MedGen C0457013, MONDO:0008673, OMIM 193530.

gnomAD v4.1: 1 of 1,614,110 alleles (0.000062%); highest among the groups gnomAD compares: Non-Finnish European, 0.000085%; no homozygotes.

Submissions (2):

Dasa
Classification: Likely pathogenic. Last evaluated: 2025-09-15. Review status: criteria provided, single submitter. Criteria: DASA Assertion Criteria. Collection method: clinical testing. Allele origin: germline.
Comment: NM_147127.5(EVC2):c.2046+1G>A affects a canonical splice site and is predicted to disrupt normal RNA splicing. Loss of function is an established disease mechanism for EVC2-associated disorders. Also, this variant is rare in population databases. Based on the currently available evidence, this variant is classified as likely pathogenic.

Labcorp Genetics (formerly Invitae), Labcorp
Classification: Likely pathogenic for Curry-Hall syndrome; Ellis-van Creveld syndrome. Last evaluated: 2021-10-11. Review status: criteria provided, single submitter. Criteria: Invitae Variant Classification Sherloc (09022015). Collection method: clinical testing. Allele origin: germline.
Comment: This sequence change affects a donor splice site in intron 13 of the EVC2 gene. It is expected to disrupt RNA splicing. Variants that disrupt the donor or acceptor splice site typically lead to a loss of protein function (PMID: 16199547), and loss-of-function variants in EVC2 are known to be pathogenic (PMID: 17024374, 19810119, 19876929). This variant is present in population databases (rs762947212, ExAC 0.001%). This variant has not been reported in the literature in individuals affected with EVC2-related conditions. Algorithms developed to predict the effect of sequence changes on RNA splicing suggest that this variant may disrupt the consensus splice site. In summary, the currently available evidence indicates that the variant is pathogenic, but additional data are needed to prove that conclusively. Therefore, this variant has been classified as Likely Pathogenic.

Literature cited by the submitters: PubMed 16199547 (cited by Labcorp Genetics (formerly Invitae), Labcorp); PubMed 17024374 (cited by Labcorp Genetics (formerly Invitae), Labcorp); PubMed 19810119 (cited by Labcorp Genetics (formerly Invitae), Labcorp); PubMed 19876929 (cited by Labcorp Genetics (formerly Invitae), Labcorp).

NM_147127.5(EVC2):c.2046+1G>A

Gene: EVC2 (EvC ciliary complex subunit 2; minus strand). Cytogenetic location: 4p16.2.
Variant type: single nucleotide variant.
Coding change: c.2046+1G>A on transcript NM_147127.5 (MANE Select); the canonical splice donor site of the intron after coding-DNA position 2046, G replaced by A.
Molecular consequence: splice donor variant.
Genome position (GRCh38, 1-based): chr4:5,625,748, C>T on the plus strand (G>A on the coding strand, the complement: EVC2 is on the minus strand). VCF-style: chr4-5625748-C-T. GRCh37 (hg19) VCF-style: chr4-5627475-C-T.
Other names: c.1806+1G>A (NM_001166136.2).
Identifiers: ClinVar variation 1495938 (VCV001495938.9), dbSNP rs762947212, ClinGen allele CA2834856.
Genomic context (GRCh38, chr4:5,625,748, plus strand): 5'-GCACTTGATGGGTATCAGAAAGTGCCTATGCAAAGAATAAATAGCATCATGCCTTATATA[C>T]CTTTTGTAGCAACTCTCGTCTTCTCTTAGTTATTAATTTTTGGTGGAGCTTTTTCTTTTC-3'